The following is an entry in ClinVar:

ClinVar aggregate classification (germline): Uncertain significance (1 of 4 stars; one submission).

gnomAD v4.1: 25 of 1,569,056 alleles (0.0016%); highest among the groups gnomAD compares: Middle Eastern, 0.033%; no homozygotes.

Submission:

Ambry Genetics
Classification: Uncertain significance. Last evaluated: 2024-12-20. Review status: criteria provided, single submitter. Criteria: Ambry Variant Classification Scheme 2023. Collection method: clinical testing. Allele origin: germline.
Comment: The p.A643T variant (also known as c.1927G>A), located in coding exon 8 of the WNK2 gene, results from a G to A substitution at nucleotide position 1927. The alanine at codon 643 is replaced by threonine, an amino acid with similar properties. This amino acid position is conserved. In addition, this alteration is predicted to be tolerated by in silico analysis. Based on the available evidence, the clinical significance of this variant remains unclear.

NM_006648.4(WNK2):c.1927G>A (p.Ala643Thr)

Gene: WNK2 (WNK lysine deficient protein kinase 2; plus strand). Cytogenetic location: 9q22.31.
Variant type: single nucleotide variant.
Coding change: c.1927G>A on transcript NM_006648.4 (MANE Select); coding-DNA position 1927, G replaced by A.
Protein change: p.Ala643Thr; replaces alanine 643 with threonine.
Molecular consequence: missense variant.
Genome position (GRCh38, 1-based): chr9:93,252,975, G>A. VCF-style: chr9-93252975-G-A. GRCh37 (hg19) VCF-style: chr9-96015257-G-A.
Other names: c.1927G>A, p.Ala643Thr (NM_001282394.3); short protein forms A643T.
Identifiers: ClinVar variation 3816556 (VCV003816556.1).